The following is an entry in ClinVar:

NM_000368.5(TSC1):c.3266G>A (p.Gly1089Asp)

Gene: TSC1 (TSC complex subunit 1; minus strand). Cytogenetic location: 9q34.13.
Variant type: single nucleotide variant.
Coding change: c.3266G>A on transcript NM_000368.5 (MANE Select); coding-DNA position 3266, G replaced by A.
Protein change: p.Gly1089Asp; replaces glycine 1089 with aspartic acid.
Molecular consequence: missense variant.
Genome position (GRCh38, 1-based): chr9:132,896,464, C>T on the plus strand (G>A on the coding strand, the complement: TSC1 is on the minus strand). VCF-style: chr9-132896464-C-T. GRCh37 (hg19) VCF-style: chr9-135771851-C-T.
Other names: c.3263G>A, p.Gly1088Asp (NM_001162426.2); c.3113G>A, p.Gly1038Asp (NM_001162427.2); c.2903G>A, p.Gly968Asp (NM_001362177.2); short protein forms G1038D, G1089D, G1088D, G968D.
Identifiers: ClinVar variation 640618 (VCV000640618.9), dbSNP rs762845573, ClinGen allele CA036260.
Genomic context (GRCh38, chr9:132,896,464, plus strand): 5'-ATGCCGTCCTCATCACACTGGCTCTCGCTCTTATTACGAAATAACTCTCGAGCCTTCATA[C>T]CCAGGAAGCTTTTTGAACTGGGAAGTGAGCCCACAGTGGTGGGGATGCTGGCAGACGCTT-3'
Protein context (NP_000359.1, residues 1079-1099): GSLPSSKSFL[Gly1089Asp]MKARELFRNK

ClinVar aggregate classification (germline): Conflicting classifications of pathogenicity. Review status: criteria provided, conflicting classifications (1 of 4 stars). 2 submissions from 2 submitters: Uncertain significance (1); Likely benign (1). Last evaluated 2025-12-16.

Conditions:
Tuberous sclerosis 1 (TSC1). Identifiers: Orphanet 805, MedGen C1854465, MONDO:0008612, OMIM 191100.
Hereditary cancer-predisposing syndrome. Also called: Neoplastic Syndromes, Hereditary; Hereditary Cancer Syndrome; Hereditary neoplastic syndrome; Tumor predisposition. Identifiers: Orphanet 140162, MedGen C0027672, MeSH D009386, MONDO:0015356.

gnomAD v4.1: 1 of 1,614,216 alleles (0.000062%); highest among the groups gnomAD compares: Non-Finnish European, 0.000085%; no homozygotes.

Submissions (2):

Labcorp Genetics (formerly Invitae), Labcorp
Classification: Likely benign for Tuberous sclerosis 1. Last evaluated: 2025-12-16. Review status: criteria provided, single submitter. Criteria: Invitae Variant Classification Sherloc (09022015). Collection method: clinical testing. Allele origin: germline.

Ambry Genetics
Classification: Uncertain significance for Hereditary cancer-predisposing syndrome. Last evaluated: 2025-03-03. Review status: criteria provided, single submitter. Criteria: Ambry Variant Classification Scheme 2023. Collection method: clinical testing. Allele origin: germline.
Comment: The p.G1089D variant (also known as c.3266G>A), located in coding exon 21 of the TSC1 gene, results from a G to A substitution at nucleotide position 3266. The glycine at codon 1089 is replaced by aspartic acid, an amino acid with similar properties. This amino acid position is well conserved in available vertebrate species. In addition, this alteration is predicted to be deleterious by in silico analysis. Based on the available evidence, the clinical significance of this variant remains unclear.